The following is an entry in ClinVar:

ClinVar aggregate classification (germline): Benign. Review status: criteria provided, single submitter (1 of 4 stars). 3 submissions from 1 submitter: Benign (3). Last evaluated 2018-01-12.

Conditions:
Primary erythromelalgia. Also called: SCN9A Erythromelalgia (SCN9A-EM); primary erythermalgia. Identifiers: Orphanet 306577, Orphanet 90026, MedGen C0014805, MONDO:0007571, OMIM 133020.
Paroxysmal extreme pain disorder (PEXPD). Also called: PAIN, SUBMANDIBULAR, OCULAR, AND RECTAL, WITH FLUSHING; RECTAL PAIN, FAMILIAL; SCN9A Paroxysmal Extreme Pain Disorder (SCN9A-PEPD). Identifiers: Orphanet 46348, MedGen C1833661, MONDO:0008179, OMIM 167400.
Channelopathy-associated congenital insensitivity to pain, autosomal recessive. Also called: Insensitivity to pain, channelopathy-associated; ASYMBOLIA FOR PAIN; CONGENITAL ANALGESIA, AUTOSOMAL RECESSIVE. Identifiers: Orphanet 88642, Orphanet 970, MedGen C1855739, MONDO:0009459, OMIM 243000.

Allele frequency attached by ClinVar (database versions not stated): gnomAD 0.03007 and 0.03222; TOPMed 0.03423; 1000 Genomes Project 0.03914; 1000 Genomes Project 30x 0.04091.

Submissions (3):

Illumina Laboratory Services, Illumina
Classification: Benign for Channelopathy-associated congenital insensitivity to pain, autosomal recessive. Last evaluated: 2018-01-12. Review status: criteria provided, single submitter. Criteria: ICSL Variant Classification Criteria 13 December 2019. Collection method: clinical testing. Allele origin: germline.
Comment: This variant was observed in the ICSL laboratory as part of a predisposition screen in an ostensibly healthy population. It had not been previously curated by ICSL or reported in the Human Gene Mutation Database (HGMD: prior to June 1st, 2018), and was therefore a candidate for classification through an automated scoring system. Utilizing variant allele frequency, disease prevalence and penetrance estimates, and inheritance mode, an automated score was calculated to assess if this variant is too frequent to cause the disease. Based on the score and internal cut-off values, a variant classified as benign is not then subjected to further curation. The score for this variant resulted in a classification of benign for this disease.

Illumina Laboratory Services, Illumina
Classification: Benign for Paroxysmal extreme pain disorder. Last evaluated: 2018-01-12. Review status: criteria provided, single submitter. Criteria: ICSL Variant Classification Criteria 13 December 2019. Collection method: clinical testing. Allele origin: germline.
Comment: the same text as in the submission from Illumina Laboratory Services, Illumina above.

Illumina Laboratory Services, Illumina
Classification: Benign for Primary erythromelalgia. Last evaluated: 2018-01-12. Review status: criteria provided, single submitter. Criteria: ICSL Variant Classification Criteria 13 December 2019. Collection method: clinical testing. Allele origin: germline.
Comment: the same text as in the submission from Illumina Laboratory Services, Illumina above.

NM_001365536.1(SCN9A):c.*2136C>G

Genes: SCN1A-AS1 (SCN1A and SCN9A antisense RNA 1; plus strand), SCN9A (sodium voltage-gated channel alpha subunit 9; minus strand). Cytogenetic location: 2q24.3.
Variant type: single nucleotide variant.
Coding change: c.*2136C>G on transcript NM_001365536.1 (MANE Select); 2136 bases downstream of the stop codon, C replaced by G.
Molecular consequence: 3 prime UTR variant.
Genome position (GRCh38, 1-based): chr2:166,196,536, G>C on the plus strand (C>G on the coding strand, the complement: SCN9A is on the minus strand). VCF-style: chr2-166196536-G-C. GRCh37 (hg19) VCF-style: chr2-167053046-G-C.
Other names: c.*2136C>G (NM_002977.4).
Identifiers: ClinVar variation 331922 (VCV000331922.6), dbSNP rs77050817, ClinGen allele CA10612774.